The following is an entry in ClinVar:

ClinVar aggregate classification (germline): Pathogenic (1 of 4 stars; one submission).

Submission:

GeneDx
Classification: Pathogenic. Last evaluated: 2015-09-24. Review status: criteria provided, single submitter. Criteria: GeneDx Variant Classification (06012015). Collection method: clinical testing. Allele origin: germline. Affected: yes.
Comment: The I73V missense variant in the ACTA1 gene has been reported previously in association with nemaline myopathy (Laing et al., 2009). The variant was not observed in approximately 6,500 individuals of European and African American ancestry in the NHLBI Exome Sequencing Project, indicating it is not a common benign variant in these populations. This substitution occurs at a position that is conserved across species. Missense variants in the same (I73F) and nearby residues (E74K, H75N/L/R) have been reported in the Human Gene Mutation Database in association with nemaline myopathy (Stenson et al., 2014), supporting the functional importance of this region of the protein. Therefore, we interpret I73V as a pathogenic variant.

NM_001100.4(ACTA1):c.217A>G (p.Ile73Val)

Gene: ACTA1 (actin alpha 1, skeletal muscle; minus strand). Cytogenetic location: 1q42.13.
Variant type: single nucleotide variant.
Coding change: c.217A>G on transcript NM_001100.4 (MANE Select); coding-DNA position 217, A replaced by G.
Protein change: p.Ile73Val; replaces isoleucine 73 with valine.
Molecular consequence: missense variant.
Genome position (GRCh38, 1-based): chr1:229,432,793, T>C on the plus strand (A>G on the coding strand, the complement: ACTA1 is on the minus strand). VCF-style: chr1-229432793-T-C. GRCh37 (hg19) VCF-style: chr1-229568540-T-C.
Other names: short protein forms I73V.
Identifiers: ClinVar variation 430007 (VCV000430007.2), dbSNP rs1131691728, ClinGen allele CA345150612.